The following is an entry in ClinVar:

NM_001374353.1(GLI2):c.1468-12G>A

Gene: GLI2 (GLI family zinc finger 2; plus strand). Cytogenetic location: 2q14.2.
Variant type: single nucleotide variant.
Coding change: c.1468-12G>A on transcript NM_001374353.1 (MANE Select); 12 bases into the intron before coding-DNA position 1468, G replaced by A.
Molecular consequence: intron variant.
Genome position (GRCh38, 1-based): chr2:120,982,704, G>A. VCF-style: chr2-120982704-G-A. GRCh37 (hg19) VCF-style: chr2-121740280-G-A.
Other names: c.1519-12G>A (NM_001371271.1, NM_005270.5); c.1093-12G>A (NM_001374354.1).
Identifiers: ClinVar variation 2085233 (VCV002085233.5), dbSNP rs368332990, ClinGen allele CA1851937.
Genomic context (GRCh38, chr2:120,982,704, plus strand): 5'-GGAGGAAGCAGCAGCCGGCCTCAAGGTTGGGCCCCCTGGGGTGCCTTGACTGACTGAACC[G>A]CCTCCTTCTAGTTCGAGGGCTGCTCGAAGGCCTACTCCCGCCTGGAGAACCTGAAGACAC-3'

ClinVar aggregate classification (germline): Likely benign. Review status: criteria provided, multiple submitters, no conflicts (2 of 4 stars). 2 submissions from 2 submitters: Likely benign (2). Last evaluated 2025-08-07.

Conditions:
Holoprosencephaly 9 (HPE9). Also called: HOLOPROSENCEPHALY WITH MICROPHTHALMIA AND FIRST BRANCHIAL ARCH ANOMALIES; PITUITARY ANOMALIES WITH HOLOPROSENCEPHALY-LIKE FEATURES. Identifiers: Orphanet 2162, MedGen C1835819, MONDO:0012563, OMIM 610829.
Postaxial polydactyly-anterior pituitary anomalies-facial dysmorphism syndrome. Also called: Culler-Jones syndrome. Identifiers: Orphanet 420584, MedGen C4014479, MONDO:0014369, OMIM 615849.

Allele frequency attached by ClinVar (database versions not stated): TOPMed 0.00009; gnomAD 0.00011; 1000 Genomes Project 30x 0.00031; ESP Exome Variant Server 0.00015; ExAC 0.00009; 1000 Genomes Project 0.00020.
gnomAD v4.1: 71 of 1,606,756 alleles (0.0044%); highest among the groups gnomAD compares: African/African-American, 0.0093%; no homozygotes.

Submissions (2):

Labcorp Genetics (formerly Invitae), Labcorp
Classification: Likely benign for Postaxial polydactyly-anterior pituitary anomalies-facial dysmorphism syndrome; Holoprosencephaly 9. Last evaluated: 2025-08-07. Review status: criteria provided, single submitter. Criteria: Invitae Variant Classification Sherloc (09022015). Collection method: clinical testing. Allele origin: germline.

Women's Health and Genetics/Laboratory Corporation of America, LabCorp
Classification: Likely benign. Last evaluated: 2023-11-13. Review status: criteria provided, single submitter. Criteria: LabCorp Variant Classification Summary - May 2015. Collection method: clinical testing. Allele origin: germline.
Comment: Variant summary: GLI2 c.1519-12G>A alters a non-conserved nucleotide located at a position not widely known to affect splicing. Consensus agreement among computation tools predict no significant impact on normal splicing. However, these predictions have yet to be confirmed by functional studies. To our knowledge, no occurrence of c.1519-12G>A in individuals affected with GLI2-Related Disorders and no experimental evidence demonstrating its impact on protein function have been reported. One submitter has cited clinical-significance assessments for this variant to ClinVar after 2014 and has classified the variant as likely benign. Based on the evidence outlined above, the variant was classified as likely benign.